The following is an entry in ClinVar:

NM_004168.4(SDHA):c.1663+1G>A

Gene: SDHA (succinate dehydrogenase complex flavoprotein subunit A; plus strand). Cytogenetic location: 5p15.33.
Variant type: single nucleotide variant.
Coding change: c.1663+1G>A on transcript NM_004168.4 (MANE Select); the canonical splice donor site of the intron after coding-DNA position 1663, G replaced by A.
Molecular consequence: splice donor variant. On other transcripts: intron variant (1).
Genome position (GRCh38, 1-based): chr5:251,104, G>A. VCF-style: chr5-251104-G-A. GRCh37 (hg19) VCF-style: chr5-251219-G-A.
Other names: c.1552-3289G>A (NM_001330758.2); c.1519+1G>A (NM_001294332.2).
Identifiers: ClinVar variation 956996 (VCV000956996.14), dbSNP rs766667009, ClinGen allele CA358999016.

ClinVar aggregate classification (germline): Pathogenic/Likely pathogenic. Review status: criteria provided, multiple submitters, no conflicts (2 of 4 stars). 4 submissions from 4 submitters: Pathogenic (2); Likely pathogenic (2). Last evaluated 2025-03-23.

Conditions:
Mitochondrial complex II deficiency, nuclear type 1. Also called: SUCCINATE CoQ REDUCTASE DEFICIENCY. Identifiers: Orphanet 3208, MedGen C5700310, MONDO:0100294, OMIM 252011.
Pheochromocytoma/paraganglioma syndrome 5. Also called: Paragangliomas 5; SDHA-Related Hereditary Paraganglioma-Pheochromocytoma Syndrome. Identifiers: Orphanet 29072, MedGen C3279992, MONDO:0013602, OMIM 614165.
Neurodegeneration with ataxia and late-onset optic atrophy. Identifiers: MedGen C5543254, MONDO:0031006, OMIM 619259.
Dilated cardiomyopathy 1GG (CMD1GG). Identifiers: Orphanet 154, MedGen C3150898, MONDO:0013339, OMIM 613642.
Hereditary cancer-predisposing syndrome. Also called: Hereditary Cancer Syndrome; Neoplastic Syndromes, Hereditary; Tumor predisposition; Hereditary neoplastic syndrome. Identifiers: Orphanet 140162, MedGen C0027672, MeSH D009386, MONDO:0015356.

gnomAD v4.1: 4 of 1,611,584 alleles (0.00025%); highest among the groups gnomAD compares: Non-Finnish European, 0.00034%; no homozygotes.

Submissions (4):

Ambry Genetics
Classification: Pathogenic for Hereditary cancer-predisposing syndrome. Last evaluated: 2025-03-23. Review status: criteria provided, single submitter. Criteria: Ambry Variant Classification Scheme 2023. Collection method: clinical testing. Allele origin: germline.
Comment: The c.1663+1G>A intronic pathogenic mutation results from a G to A substitution one nucleotide after coding exon 12 of the SDHA gene. Alterations that disrupt the canonical splice site are expected to cause aberrant splicing, resulting in an abnormal protein or a transcript that is subject to nonsense-mediated mRNA decay. In silico splice site analysis predicts that this alteration will weaken the native splice donor site; however, direct evidence is insufficient at this time (Ambry internal data). Other variant(s) impacting the same donor site (c.1663+3G>C) have been identified in individual(s) with features consistent with SDHA-related paraganglioma-pheochromocytoma syndrome (Dwight T et al. Am J Surg Pathol, 2013 Feb;37:226-33; Ben Aim L et al. J Med Genet, 2019 08;56:513-520). c.1663+1G>A is considered to be rare based on population cohorts in the Genome Aggregation Database (gnomAD). Based on the supporting evidence, this alteration is interpreted as a disease-causing mutation.

Labcorp Genetics (formerly Invitae), Labcorp
Classification: Pathogenic for Pheochromocytoma/paraganglioma syndrome 5; Mitochondrial complex II deficiency, nuclear type 1. Last evaluated: 2024-09-06. Review status: criteria provided, single submitter. Criteria: Invitae Variant Classification Sherloc (09022015). Collection method: clinical testing. Allele origin: germline.
Comment: This sequence change affects a donor splice site in intron 12 of the SDHA gene. RNA analysis indicates that disruption of this splice site induces altered splicing and may result in an absent or altered protein product. This variant is not present in population databases (gnomAD no frequency). Disruption of this splice site has been observed in individuals with clinical features of paraganglioma-pheochromocytoma syndrome and/or colon adenocarcinoma (PMID: 29625052; internal data). ClinVar contains an entry for this variant (Variation ID: 956996). Studies have shown that disruption of this splice site results in skipping of exon 12 and skipping of exon 12-13, and produces a non-functional protein and/or introduces a premature termination codon (internal data). For these reasons, this variant has been classified as Pathogenic.

Myriad Genetics, Inc.
Classification: Likely pathogenic for Pheochromocytoma/paraganglioma syndrome 5. Last evaluated: 2023-06-13. Review status: criteria provided, single submitter. Criteria: Myriad Autosomal Dominant, Autosomal Recessive and X-Linked Classification Criteria (2023). Collection method: clinical testing. Allele origin: unknown.
Comment: This variant is considered likely pathogenic. This variant occurs within a consensus splice junction and is predicted to result in abnormal mRNA splicing of either an out-of-frame exon or an in-frame exon necessary for protein stability and/or normal function.

Fulgent Genetics
Classification: Likely pathogenic for Mitochondrial complex II deficiency, nuclear type 1; Dilated cardiomyopathy 1GG; Pheochromocytoma/paraganglioma syndrome 5; Neurodegeneration with ataxia and late-onset optic atrophy. Last evaluated: 2021-11-07. Review status: criteria provided, single submitter. Criteria: ACMG Guidelines, 2015. Collection method: clinical testing. Allele origin: unknown.

Literature cited by the submitters: PubMed 29625052 (cited by Labcorp Genetics (formerly Invitae), Labcorp).